The following is an entry in ClinVar:

NM_198525.3(KIF7):c.1337C>A (p.Ala446Asp)

Gene: KIF7 (kinesin family member 7; minus strand). Cytogenetic location: 15q26.1.
Variant type: single nucleotide variant.
Coding change: c.1337C>A on transcript NM_198525.3 (MANE Select); coding-DNA position 1337, C replaced by A.
Protein change: p.Ala446Asp; replaces alanine 446 with aspartic acid.
Molecular consequence: missense variant.
Genome position (GRCh38, 1-based): chr15:89,648,361, G>T on the plus strand (C>A on the coding strand, the complement: KIF7 is on the minus strand). VCF-style: chr15-89648361-G-T. GRCh37 (hg19) VCF-style: chr15-90191592-G-T.
Other names: c.1337C>A (NM_198525.2); short protein forms A446D.
Identifiers: ClinVar variation 2196745 (VCV002196745.2), dbSNP rs951204252, ClinGen allele CA274582420.

ClinVar aggregate classification (germline): Uncertain significance. Review status: criteria provided, multiple submitters, no conflicts (2 of 4 stars). 2 submissions from 2 submitters: Uncertain significance (2). Last evaluated 2025-10-02.

Conditions:
Inborn genetic diseases. Identifiers: MedGen C0950123, MeSH D030342.
Acrocallosal syndrome (ACLS). Also called: HALLUX DUPLICATION, POSTAXIAL POLYDACTYLY, AND ABSENCE OF CORPUS CALLOSUM; Schinzel syndrome 1; Absence of corpus callosum with unusual facial appearance, mental deficiency, duplication of the halluces and polydactyly. Identifiers: Orphanet 36, MedGen C0796147, MONDO:0008708, OMIM 200990.

Allele frequency attached by ClinVar (database versions not stated): gnomAD exomes 0.00001; TOPMed 0.00002; gnomAD 0.00003.
gnomAD v4.1: 14 of 1,397,524 alleles (0.001%); highest among the groups gnomAD compares: Non-Finnish European, 0.0011%; no homozygotes.

Submissions (2):

Ambry Genetics
Classification: Uncertain significance for Inborn genetic diseases. Last evaluated: 2025-10-02. Review status: criteria provided, single submitter. Criteria: Ambry Variant Classification Scheme 2023. Collection method: clinical testing. Allele origin: germline.

Labcorp Genetics (formerly Invitae), Labcorp
Classification: Uncertain significance for Acrocallosal syndrome. Last evaluated: 2022-03-18. Review status: criteria provided, single submitter. Criteria: Invitae Variant Classification Sherloc (09022015). Collection method: clinical testing. Allele origin: germline.
Comment: This sequence change replaces alanine, which is neutral and non-polar, with aspartic acid, which is acidic and polar, at codon 446 of the KIF7 protein (p.Ala446Asp). This variant is not present in population databases (gnomAD no frequency). This variant has not been reported in the literature in individuals affected with KIF7-related conditions. Algorithms developed to predict the effect of missense changes on protein structure and function are either unavailable or do not agree on the potential impact of this missense change (SIFT: "Deleterious"; PolyPhen-2: "Benign"; Align-GVGD: "Class C0"). In summary, the available evidence is currently insufficient to determine the role of this variant in disease. Therefore, it has been classified as a Variant of Uncertain Significance.